The following is an entry in ClinVar:

NM_000368.5(TSC1):c.2080C>A (p.Gln694Lys)

Gene: TSC1 (TSC complex subunit 1; minus strand). Cytogenetic location: 9q34.13.
Variant type: single nucleotide variant.
Coding change: c.2080C>A on transcript NM_000368.5 (MANE Select); coding-DNA position 2080, C replaced by A.
Protein change: p.Gln694Lys; replaces glutamine 694 with lysine.
Molecular consequence: missense variant.
Genome position (GRCh38, 1-based): chr9:132,903,779, G>T on the plus strand (C>A on the coding strand, the complement: TSC1 is on the minus strand). VCF-style: chr9-132903779-G-T. GRCh37 (hg19) VCF-style: chr9-135779166-G-T.
Other names: c.2077C>A, p.Gln693Lys (NM_001162426.2); c.1927C>A, p.Gln643Lys (NM_001162427.2); c.1717C>A, p.Gln573Lys (NM_001362177.2); short protein forms Q643K, Q694K, Q573K, Q693K.
Identifiers: ClinVar variation 654526 (VCV000654526.8), dbSNP rs397514789, ClinGen allele CA375361100.

ClinVar aggregate classification (germline): Uncertain significance (1 of 4 stars; one submission).

Conditions:
Tuberous sclerosis 1 (TSC1). Identifiers: Orphanet 805, MedGen C1854465, MONDO:0008612, OMIM 191100.

Submission:

Labcorp Genetics (formerly Invitae), Labcorp
Classification: Uncertain significance for Tuberous sclerosis 1. Last evaluated: 2018-12-08. Review status: criteria provided, single submitter. Criteria: Invitae Variant Classification Sherloc (09022015). Collection method: clinical testing. Allele origin: germline.
Comment: In summary, the available evidence is currently insufficient to determine the role of this variant in disease. Therefore, it has been classified as a Variant of Uncertain Significance. Algorithms developed to predict the effect of missense changes on protein structure and function are either unavailable or do not agree on the potential impact of this missense change (SIFT: "Deleterious"; PolyPhen-2: "Probably Damaging"; Align-GVGD: "Class C0"). This variant has not been reported in the literature in individuals with TSC1-related disease. This variant is not present in population databases (ExAC no frequency). This sequence change replaces glutamine with lysine at codon 694 of the TSC1 protein (p.Gln694Lys). The glutamine residue is highly conserved and there is a small physicochemical difference between glutamine and lysine.